The following is an entry in ClinVar:

ClinVar aggregate classification (germline): Likely benign (0 of 4 stars; one submission).

Conditions:
CD36-related disorder. Also called: CD36-related condition; CD36-related disorders.

Allele frequency attached by ClinVar (database versions not stated): gnomAD exomes below 0.00001; ExAC 0.00001; gnomAD 0.00004; TOPMed 0.00005; ESP Exome Variant Server 0.00008.
gnomAD v4.1: 11 of 1,609,184 alleles (0.00068%); highest among the groups gnomAD compares: African/African-American, 0.013%; no homozygotes.

Submission:

PreventionGenetics, part of Exact Sciences
Classification: Likely benign for CD36-related condition. Last evaluated: 2020-12-03. Review status: no assertion criteria provided. Collection method: clinical testing. Allele origin: germline.
Comment: This variant is classified as likely benign based on ACMG/AMP sequence variant interpretation guidelines (Richards et al. 2015 PMID: 25741868, with internal and published modifications).

NM_001001548.3(CD36):c.1077A>G (p.Gly359=)

Gene: CD36 (CD36 molecule (CD36 blood group); plus strand). Cytogenetic location: 7q21.11.
Variant type: single nucleotide variant.
Coding change: c.1077A>G on transcript NM_001001548.3 (MANE Select); coding-DNA position 1077, A replaced by G.
Protein change: p.Gly359=; no amino-acid change (glycine 359 retained).
Molecular consequence: synonymous variant. On other transcripts: non-coding transcript variant (1).
Genome position (GRCh38, 1-based): chr7:80,671,992, A>G. VCF-style: chr7-80671992-A-G. GRCh37 (hg19) VCF-style: chr7-80301308-A-G.
Other names: c.1077A>G, p.Gly359= (NM_000072.3, NM_001001547.3, NM_001127443.2 and 5 more transcripts); c.960A>G, p.Gly320= (NM_001289908.1); c.897A>G, p.Gly299= (NM_001289909.1); c.849A>G, p.Gly283= (NM_001289911.2); c.975A>G, p.Gly325= (NM_001371079.1); c.612A>G, p.Gly204= (NM_001371080.1, NM_001371081.1).
Identifiers: ClinVar variation 3030004 (VCV003030004.2), dbSNP rs139685463, ClinGen allele CA4315576.